The following is an entry in ClinVar:

NM_021930.6(RINT1):c.2302G>A (p.Gly768Arg)

Genes: EFCAB10 (EF-hand calcium binding domain 10; minus strand), RINT1 (RAD50 interactor 1; plus strand). Cytogenetic location: 7q22.3.
Variant type: single nucleotide variant.
Coding change: c.2302G>A on transcript NM_021930.6 (MANE Select); coding-DNA position 2302, G replaced by A.
Protein change: p.Gly768Arg; replaces glycine 768 with arginine.
Molecular consequence: missense variant. On other transcripts: 3 prime UTR variant (2), non-coding transcript variant (1), intron variant (3).
Genome position (GRCh38, 1-based): chr7:105,567,234, G>A. VCF-style: chr7-105567234-G-A. GRCh37 (hg19) VCF-style: chr7-105207681-G-A.
Other names: c.*220C>T (NM_001355527.2, NM_001355529.2); c.2068G>A, p.Gly690Arg (NM_001346599.2); c.1279G>A, p.Gly427Arg (NM_001346600.2, NM_001346603.2); c.1378G>A, p.Gly460Arg (NM_001346601.2); c.360-1787C>T (NM_001355531.2); c.383+233C>T (NM_001355526.2, NM_001355530.2); short protein forms G460R, G690R, G427R, G768R.
Identifiers: ClinVar variation 3314423 (VCV003314423.1).

ClinVar aggregate classification (germline): Uncertain significance (1 of 4 stars; one submission).

gnomAD v4.1: 1 of 1,613,436 alleles (0.000062%); highest among the groups gnomAD compares: African/African-American, 0.0013%; no homozygotes.

Submission:

Ambry Genetics
Classification: Uncertain significance. Last evaluated: 2024-04-18. Review status: criteria provided, single submitter. Criteria: Ambry Variant Classification Scheme 2023. Collection method: clinical testing. Allele origin: germline.
Comment: The p.G768R variant (also known as c.2302G>A), located in coding exon 15 of the RINT1 gene, results from a G to A substitution at nucleotide position 2302. The glycine at codon 768 is replaced by arginine, an amino acid with dissimilar properties. This amino acid position is conserved. In addition, this alteration is predicted to be deleterious by in silico analysis. Based on the available evidence, the clinical significance of this variant remains unclear.